The following is an entry in ClinVar:

NM_014225.6(PPP2R1A):c.547C>T (p.Arg183Trp)

Gene: PPP2R1A (protein phosphatase 2 scaffold subunit Aalpha; plus strand). Cytogenetic location: 19q13.41.
Variant type: single nucleotide variant.
Coding change: c.547C>T on transcript NM_014225.6 (MANE Select); coding-DNA position 547, C replaced by T.
Protein change: p.Arg183Trp; replaces arginine 183 with tryptophan.
Molecular consequence: missense variant. On other transcripts: non-coding transcript variant (1).
Genome position (GRCh38, 1-based): chr19:52,212,729, C>T. VCF-style: chr19-52212729-C-T. GRCh37 (hg19) VCF-style: chr19-52715982-C-T.
Other names: c.10C>T, p.Arg4Trp (NM_001363656.2); short protein forms R183W, R4W.
Identifiers: ClinVar variation 376505 (VCV000376505.12), dbSNP rs1057519946, ClinGen allele CA16602937.

ClinVar aggregate classification (germline): Pathogenic/Likely pathogenic. Review status: criteria provided, multiple submitters, no conflicts (2 of 4 stars). 6 submissions from 6 submitters: Pathogenic (4); Likely pathogenic (2). Last evaluated 2025-08-25.

Conditions:
Houge-Janssens syndrome 2. Also called: PPP2R1A-Related Neurodevelopmental Disorder; INTELLECTUAL DEVELOPMENTAL DISORDER, AUTOSOMAL DOMINANT 36; Microcephaly-corpus callosum hypoplasia-intellectual disability-facial dysmorphism syndrome. Identifiers: Orphanet 457284, MedGen C4225352, MONDO:0014605, OMIM 616362.

Submissions (7):

Daryl Scott Lab, Baylor College of Medicine
Classification: Pathogenic for Houge-Janssens syndrome 2. Last evaluated: 2025-08-25. Review status: criteria provided, single submitter. Criteria: ACMG Guidelines, 2015. Collection method: clinical testing. Allele origin: de novo. Affected: yes. Observed: 1 heterozygote.
Comment: PS2, PM2, PM5, PP3

Labcorp Genetics (formerly Invitae), Labcorp
Classification: Pathogenic. Last evaluated: 2023-08-02. Review status: criteria provided, single submitter. Criteria: Invitae Variant Classification Sherloc (09022015). Collection method: clinical testing. Allele origin: germline.
Comment: This missense change has been observed in individual(s) with PPP2R1A-related conditions (PMID: 33106617, 34930662). In at least one individual the variant was observed to be de novo. ClinVar contains an entry for this variant (Variation ID: 376505). Advanced modeling of protein sequence and biophysical properties (such as structural, functional, and spatial information, amino acid conservation, physicochemical variation, residue mobility, and thermodynamic stability) performed at Invitae indicates that this missense variant is expected to disrupt PPP2R1A protein function. Experimental studies have shown that this missense change affects PPP2R1A function (PMID: 33106617). This variant disrupts the p.Arg183 amino acid residue in PPP2R1A. Other variant(s) that disrupt this residue have been determined to be pathogenic (Invitae). This suggests that this residue is clinically significant, and that variants that disrupt this residue are likely to be disease-causing. For these reasons, this variant has been classified as Pathogenic. This sequence change replaces arginine, which is basic and polar, with tryptophan, which is neutral and slightly polar, at codon 183 of the PPP2R1A protein (p.Arg183Trp). This variant is not present in population databases (gnomAD no frequency).

New York Genome Center
Classification: Pathogenic for Houge-Janssens syndrome 2. Last evaluated: 2023-05-30. Review status: criteria provided, single submitter. Criteria: NYGC Assertion Criteria 2020. Collection method: clinical testing. Allele origin: de novo. Affected: yes. Observed: 1 variant allele, 1 heterozygote.
Comment: The variant has been deposited to the ClinVar database [ClinVar ID: 376505] as Likely Pathogenic. The c.547C>T variant is absent from population databases (gnomAD v2.1.1 and v3.1.2, TOPMed Freeze 8), suggesting it is not a common benign variant in the populations represented in those databases. The c.547C>T variant is located in exon 5 of this 15-exon gene and is predicted to replace an evolutionarily conserved arginine amino acid with tryptophan at position183 [p.(Arg183Trp)], in the HEAT repeat 5 (HR5) of the encoded protein [PMID: 33106617]. While in silico predictions for the p.(Arg183Trp) variant are inconclusive [REVEL = 0.294], in vitro functional studies are supportive of the p.(Arg183Trp) variant’s damaging effect [PMID: 33106617]. Moreover, other missense variants [p.(Arg183Gln) and p.(Arg183Pro)] affecting the same amino acid have been reported in individuals as de novo with severe lateral and third ventriculomegaly, hypoplastic corpus callosum, and pontocerebellar hypoplasia [PMID: 31687265, 36209351, 25533962] and in ClinVar [ClinVar ID: 376506, 985103] as a Likely Pathogenic. Additionally, a de novo missense variant affecting the adjacent residue [p.(Arg182Trp] has been reported in individuals with hypoplasia, agenesis of the corpus callosum, and intellectual disability [PMID: 26168268, 32565546, 36209351]. Based on available evidence, this denovo c.547C>T p.(Arg183Trp) variant identified in the PPP2R1A gene is classified as Pathogenic.

GeneDx
Classification: Pathogenic. Last evaluated: 2023-01-27. Review status: criteria provided, single submitter. Criteria: GeneDx Variant Classification Process June 2021. Collection method: clinical testing. Allele origin: germline. Affected: yes.
Comment: Published functional studies demonstrate a damaging effect (impaired subunit binding) (PMID: 33106617); Not observed at significant frequency in large population cohorts (gnomAD); This variant is associated with the following publications: (PMID: 34930662, 33106617)

Baylor Genetics
Classification: Likely pathogenic for Houge-Janssens syndrome 2. Last evaluated: 2018-12-21. Review status: criteria provided, single submitter. Criteria: ACMG Guidelines, 2015. Collection method: clinical testing. Allele origin: de novo. Affected: yes.
Comment: This variant was determined to be likely pathogenic according to ACMG Guidelines, 2015 [PMID:25741868]. A nearby de novo missense variant c.544C>T(p.R182W) had been reported in 3 unrelated individuals with clinical features including hypoplasia or agenesis of corpus callosum, hypotonia and intellectual disability[PMID: 26168268]

HudsonAlpha Institute for Biotechnology
Classification: Likely pathogenic for Houge-Janssens syndrome 2. Last evaluated: 2018-04-18. Review status: criteria provided, single submitter. Criteria: ACMG Guidelines, 2015. Collection method: research. Allele origin: de novo. Affected: yes. Observed: 1 variant allele. Study: CSER-SouthSeq.
Comment: ACMG codes: PS2, PM2, PP3

Dr. Peter K. Rogan Lab, Western University
No classification provided (evidence only). Condition: Colon adenocarcinoma. Review status: no classification provided. Collection method: in vitro. Allele origin: not applicable. Functional consequence: retained intron. Not counted in ClinVar's aggregate classification.

Literature cited by the submitters: PubMed 33106617 (cited by Labcorp Genetics (formerly Invitae), Labcorp and New York Genome Center); PubMed 34930662 (cited by Labcorp Genetics (formerly Invitae), Labcorp and New York Genome Center); PubMed 26168268 (cited by Baylor Genetics).